The following is an entry in ClinVar:

ClinVar aggregate classification (germline): Uncertain significance. Review status: criteria provided, multiple submitters, no conflicts (2 of 4 stars). 2 submissions from 2 submitters: Uncertain significance (2). Last evaluated 2025-10-01.

Conditions:
Inborn genetic diseases. Identifiers: MedGen C0950123, MeSH D030342.

gnomAD v4.1: 20 of 1,551,672 alleles (0.0013%); highest among the groups gnomAD compares: East Asian, 0.0049%; no homozygotes.

Submissions (2):

Labcorp Genetics (formerly Invitae), Labcorp
Classification: Uncertain significance. Last evaluated: 2025-10-01. Review status: criteria provided, single submitter. Criteria: Invitae Variant Classification Sherloc (09022015). Collection method: clinical testing. Allele origin: germline.
Comment: This sequence change replaces proline, which is neutral and non-polar, with leucine, which is neutral and non-polar, at codon 981 of the LOXHD1 protein (p.Pro981Leu). This variant is present in population databases (rs575422198, gnomAD 0.002%). This variant has not been reported in the literature in individuals affected with LOXHD1-related conditions. ClinVar contains an entry for this variant (Variation ID: 4048022). An algorithm developed to predict the effect of missense changes on protein structure and function (PolyPhen-2) suggests that this variant is likely to be tolerated. In summary, the available evidence is currently insufficient to determine the role of this variant in disease. Therefore, it has been classified as a Variant of Uncertain Significance.

Ambry Genetics
Classification: Uncertain significance for Inborn genetic diseases. Last evaluated: 2025-03-21. Review status: criteria provided, single submitter. Criteria: Ambry Variant Classification Scheme 2023. Collection method: clinical testing. Allele origin: germline.

NM_001384474.1(LOXHD1):c.2942C>T (p.Pro981Leu)

Gene: LOXHD1 (lipoxygenase homology PLAT domains 1; minus strand). Cytogenetic location: 18q21.1.
Variant type: single nucleotide variant.
Coding change: c.2942C>T on transcript NM_001384474.1 (MANE Select); coding-DNA position 2942, C replaced by T.
Protein change: p.Pro981Leu; replaces proline 981 with leucine.
Molecular consequence: missense variant.
Genome position (GRCh38, 1-based): chr18:46,560,202, G>A on the plus strand (C>T on the coding strand, the complement: LOXHD1 is on the minus strand). VCF-style: chr18-46560202-G-A. GRCh37 (hg19) VCF-style: chr18-44140165-G-A.
Other names: c.2942C>T, p.Pro981Leu (NM_144612.7); short protein forms P981L.
Identifiers: ClinVar variation 4048022 (VCV004048022.2).